The following is an entry in ClinVar:

NM_001362.4(DIO3):c.35G>A (p.Gly12Glu)

Gene: DIO3 (iodothyronine deiodinase 3; plus strand). Cytogenetic location: 14q32.31.
Variant type: single nucleotide variant.
Coding change: c.35G>A on transcript NM_001362.4 (MANE Select); coding-DNA position 35, G replaced by A.
Protein change: p.Gly12Glu; replaces glycine 12 with glutamic acid.
Molecular consequence: missense variant.
Genome position (GRCh38, 1-based): chr14:101,561,531, G>A. VCF-style: chr14-101561531-G-A. GRCh37 (hg19) VCF-style: chr14-102027868-G-A.
Other names: short protein forms G12E.
Identifiers: ClinVar variation 3770501 (VCV003770501.13).

ClinVar aggregate classification (germline): Likely benign (1 of 4 stars; one submission).

Submission:

CeGaT Center for Human Genetics Tuebingen
Classification: Likely benign. Last evaluated: 2025-01-01. Review status: criteria provided, single submitter. Criteria: CeGaT Center For Human Genetics Tuebingen Variant Classification Criteria Version 2. Collection method: clinical testing. Allele origin: germline. Affected: yes. Observed: 1 variant allele.
Comment: DIO3: BS2